The following is an entry in ClinVar:

ClinVar aggregate classification (germline): Uncertain significance (1 of 4 stars; one submission).

Conditions:
Malignant hyperthermia, susceptibility to, 1 (MHS1). Also called: Anesthesia related hyperthermia; Malignant hyperpyrexia; Fulminating hyperpyrexia; Pharmacogenic myopathy; RYR1-Related Malignant Hyperthermia Susceptibility; Malignant hyperthermia suceptibility 1. Identifiers: Orphanet 423, MedGen C2930980, MONDO:0007783, OMIM 145600.

gnomAD v4.1: 7 of 1,613,874 alleles (0.00043%); highest among the groups gnomAD compares: Middle Eastern, 0.016%; no homozygotes.

Submission:

All of Us Research Program, National Institutes of Health
Classification: Uncertain significance for Malignant hyperthermia, susceptibility to, 1. Last evaluated: 2023-05-31. Review status: criteria provided, single submitter. Criteria: ACMG Guidelines, 2015. Collection method: clinical testing. Allele origin: germline. Inheritance: Autosomal dominant inheritance. Observed: 1 variant allele, 1 heterozygote.
Comment: This study involves interpretation of variants in research participants for the purpose of population health screening. Participant phenotype was not available at the time of variant classification. Additional details can be found in publication PMID: 35346344, PMCID: PMC8962531

NM_000540.3(RYR1):c.9905C>T (p.Pro3302Leu)

Gene: RYR1 (ryanodine receptor 1; plus strand). Cytogenetic location: 19q13.2.
Variant type: single nucleotide variant.
Coding change: c.9905C>T on transcript NM_000540.3 (MANE Select); coding-DNA position 9905, C replaced by T.
Protein change: p.Pro3302Leu; replaces proline 3302 with leucine.
Molecular consequence: missense variant.
Genome position (GRCh38, 1-based): chr19:38,517,578, C>T. VCF-style: chr19-38517578-C-T. GRCh37 (hg19) VCF-style: chr19-39008218-C-T.
Other names: c.9905C>T, p.Pro3302Leu (NM_001042723.2); short protein forms P3302L.
Identifiers: ClinVar variation 3071331 (VCV003071331.1), dbSNP rs777896104, ClinGen allele CA308129952.